The following is an entry in ClinVar:

NM_002474.3(MYH11):c.644A>T (p.Glu215Val)

Gene: MYH11 (myosin heavy chain 11; minus strand). Cytogenetic location: 16p13.11.
Variant type: single nucleotide variant.
Coding change: c.644A>T on transcript NM_002474.3 (MANE Select); coding-DNA position 644, A replaced by T.
Protein change: p.Glu215Val; replaces glutamic acid 215 with valine.
Molecular consequence: missense variant.
Genome position (GRCh38, 1-based): chr16:15,782,467, T>A on the plus strand (A>T on the coding strand, the complement: MYH11 is on the minus strand). VCF-style: chr16-15782467-T-A. GRCh37 (hg19) VCF-style: chr16-15876324-T-A.
Other names: c.665A>T, p.Glu222Val (NM_001040113.2, NM_001040114.2); c.644A>T, p.Glu215Val (NM_022844.3); short protein forms E215V, E222V.
Identifiers: ClinVar variation 4704826 (VCV004704826.1).

ClinVar aggregate classification (germline): Uncertain significance (1 of 4 stars; one submission).

Conditions:
Aortic aneurysm, familial thoracic 4 (AAT4). Also called: AORTIC ANEURYSM/AORTIC DISSECTION AND PATENT DUCTUS ARTERIOSUS. Identifiers: MedGen C1851504, MONDO:0007568, OMIM 132900.

Submission:

Labcorp Genetics (formerly Invitae), Labcorp
Classification: Uncertain significance for Aortic aneurysm, familial thoracic 4. Last evaluated: 2025-02-27. Review status: criteria provided, single submitter. Criteria: Invitae Variant Classification Sherloc (09022015). Collection method: clinical testing. Allele origin: germline.
Comment: This sequence change replaces glutamic acid, which is acidic and polar, with valine, which is neutral and non-polar, at codon 222 of the MYH11 protein (p.Glu222Val). This variant is not present in population databases (gnomAD no frequency). This variant has not been reported in the literature in individuals affected with MYH11-related conditions. Invitae Evidence Modeling of protein sequence and biophysical properties (such as structural, functional, and spatial information, amino acid conservation, physicochemical variation, residue mobility, and thermodynamic stability) has been performed for this missense variant. However, the output from this modeling did not meet the statistical confidence thresholds required to predict the impact of this variant on MYH11 protein function. In summary, the available evidence is currently insufficient to determine the role of this variant in disease. Therefore, it has been classified as a Variant of Uncertain Significance.